The following is an entry in ClinVar:

ClinVar aggregate classification (germline): Benign. Review status: criteria provided, multiple submitters, no conflicts (2 of 4 stars). 3 submissions from 3 submitters: Benign (2). 1 of the submissions does not count toward it. Last evaluated 2018-07-16.

Conditions:
CAPN12-related disorder. Also called: CAPN12-related condition.

Allele frequency attached by ClinVar (database versions not stated): gnomAD exomes 0.00018 and 0.00035; ExAC 0.00101; ESP Exome Variant Server 0.00113; gnomAD 0.00148 and 0.00157; TOPMed 0.00191; 1000 Genomes Project 0.00220; 1000 Genomes Project 30x 0.00312.
gnomAD v4.1: 491 of 1,551,238 alleles (0.032%); highest among the groups gnomAD compares: African/African-American, 0.58%; 1 homozygote.

Submissions (3):

Labcorp Genetics (formerly Invitae), Labcorp
Classification: Benign. Last evaluated: 2018-07-16. Review status: criteria provided, single submitter. Criteria: Invitae Variant Classification Sherloc (09022015). Collection method: clinical testing. Allele origin: germline.

Breakthrough Genomics
Classification: Benign. Review status: criteria provided, single submitter. Criteria: ACMG Guidelines, 2015. Collection method: not provided. Allele origin: germline. Inheritance: Unknown mechanism. Affected: yes.

PreventionGenetics, part of Exact Sciences
Classification: Likely benign for CAPN12-related condition. Last evaluated: 2019-06-14. Review status: no assertion criteria provided. Collection method: clinical testing. Allele origin: germline. Not counted in ClinVar's aggregate classification.
Comment: This variant is classified as likely benign based on ACMG/AMP sequence variant interpretation guidelines (Richards et al. 2015 PMID: 25741868, with internal and published modifications).

NM_144691.4(CAPN12):c.1269G>A (p.Lys423=)

Gene: CAPN12 (calpain 12; minus strand). Cytogenetic location: 19q13.2.
Variant type: single nucleotide variant.
Coding change: c.1269G>A on transcript NM_144691.4 (MANE Select); coding-DNA position 1269, G replaced by A.
Protein change: p.Lys423=; no amino-acid change (lysine 423 retained).
Molecular consequence: synonymous variant.
Genome position (GRCh38, 1-based): chr19:38,737,249, C>T on the plus strand (G>A on the coding strand, the complement: CAPN12 is on the minus strand). VCF-style: chr19-38737249-C-T. GRCh37 (hg19) VCF-style: chr19-39227889-C-T.
Identifiers: ClinVar variation 732598 (VCV000732598.6), dbSNP rs202082771, ClinGen allele CA9418825.
Genomic context (GRCh38, chr19:38,737,249, plus strand): 5'-GAGGCCCTTGGCTCTCAGGCGCCGCCGGTTGCGCTGGATGAGGGACAGAAGGACCGTGCA[C>T]TTGGGCGTGCGGCCCCCCCGCGCTGGGCCCCGTGCCCCTGCAGCCCCCCAGCCCCCCCAG-3'
Protein context (NP_653292.2, residues 413-433): RGPARGGRTP[Lys423=]CTVLLSLIQR